The following is an entry in ClinVar:

ClinVar aggregate classification (germline): Uncertain significance (1 of 4 stars; one submission).

Conditions:
Developmental and epileptic encephalopathy, 25 (DEE25). Also called: Developmental and epileptic encephalopathy 25, with amelogenesis imperfecta; Epileptic encephalopathy, early infantile, 25, with amelogenesis imperfecta; Epileptic encephalopathy, early infantile, 25. Identifiers: Orphanet 442835, MedGen C4014621, MONDO:0014392, OMIM 615905.

Allele frequency attached by ClinVar (database versions not stated): gnomAD exomes below 0.00001.
gnomAD v4.1: 1 of 1,614,100 alleles (0.000062%); highest among the groups gnomAD compares: East Asian, 0.0022%; no homozygotes.

Submission:

Labcorp Genetics (formerly Invitae), Labcorp
Classification: Uncertain significance for Developmental and epileptic encephalopathy, 25. Last evaluated: 2022-01-07. Review status: criteria provided, single submitter. Criteria: Invitae Variant Classification Sherloc (09022015). Collection method: clinical testing. Allele origin: germline.
Comment: This sequence change replaces leucine, which is neutral and non-polar, with proline, which is neutral and non-polar, at codon 414 of the SLC13A5 protein (p.Leu414Pro). In summary, the available evidence is currently insufficient to determine the role of this variant in disease. Therefore, it has been classified as a Variant of Uncertain Significance. Algorithms developed to predict the effect of missense changes on protein structure and function (SIFT, PolyPhen-2, Align-GVGD) all suggest that this variant is likely to be disruptive. This variant has not been reported in the literature in individuals affected with SLC13A5-related conditions. This variant is not present in population databases (gnomAD no frequency).

NM_177550.5(SLC13A5):c.1241T>C (p.Leu414Pro)

Gene: SLC13A5 (solute carrier family 13 member 5; minus strand). Cytogenetic location: 17p13.1.
Variant type: single nucleotide variant.
Coding change: c.1241T>C on transcript NM_177550.5 (MANE Select); coding-DNA position 1241, T replaced by C.
Protein change: p.Leu414Pro; replaces leucine 414 with proline.
Molecular consequence: missense variant.
Genome position (GRCh38, 1-based): chr17:6,693,078, A>G on the plus strand (T>C on the coding strand, the complement: SLC13A5 is on the minus strand). VCF-style: chr17-6693078-A-G. GRCh37 (hg19) VCF-style: chr17-6596397-A-G.
Other names: c.1241T>C, p.Leu414Pro (NM_001143838.3); c.1190T>C, p.Leu397Pro (NM_001284509.2); c.1112T>C, p.Leu371Pro (NM_001284510.2); short protein forms L414P, L397P, L371P.
Identifiers: ClinVar variation 2065238 (VCV002065238.2), dbSNP rs2544617601, ClinGen allele CA397741068.